The following is an entry in ClinVar:

NM_001371986.1(UNC80):c.4666C>T (p.Arg1556Cys)

Gene: UNC80 (unc-80 subunit of NALCN channel complex; plus strand). Cytogenetic location: 2q34.
Variant type: single nucleotide variant.
Coding change: c.4666C>T on transcript NM_001371986.1 (MANE Select); coding-DNA position 4666, C replaced by T.
Protein change: p.Arg1556Cys; replaces arginine 1556 with cysteine.
Molecular consequence: missense variant.
Genome position (GRCh38, 1-based): chr2:209,904,849, C>T. VCF-style: chr2-209904849-C-T. GRCh37 (hg19) VCF-style: chr2-210769573-C-T.
Other names: c.4468C>T, p.Arg1490Cys (NM_032504.2); c.4453C>T, p.Arg1485Cys (NM_182587.4); short protein forms R1490C, R1556C, R1485C.
Identifiers: ClinVar variation 1407433 (VCV001407433.5), dbSNP rs775881861, ClinGen allele CA65038842.

ClinVar aggregate classification (germline): Uncertain significance (1 of 4 stars; one submission).

Allele frequency attached by ClinVar (database versions not stated): gnomAD 0.00001; gnomAD exomes 0.00001; TOPMed 0.00004.
gnomAD v4.1: 22 of 1,551,812 alleles (0.0014%); highest among the groups gnomAD compares: African/African-American, 0.0027%; no homozygotes.

Submission:

Labcorp Genetics (formerly Invitae), Labcorp
Classification: Uncertain significance. Last evaluated: 2026-01-12. Review status: criteria provided, single submitter. Criteria: Invitae Variant Classification Sherloc (09022015). Collection method: clinical testing. Allele origin: germline.
Comment: This sequence change replaces arginine, which is basic and polar, with cysteine, which is neutral and slightly polar, at codon 1490 of the UNC80 protein (p.Arg1490Cys). This variant is present in population databases (rs775881861, gnomAD 0.01%). This variant has not been reported in the literature in individuals affected with UNC80-related conditions. ClinVar contains an entry for this variant (Variation ID: 1407433). Invitae Evidence Modeling of protein sequence and biophysical properties (such as structural, functional, and spatial information, amino acid conservation, physicochemical variation, residue mobility, and thermodynamic stability) indicates that this missense variant is not expected to disrupt UNC80 protein function with a negative predictive value of 80%. In summary, the available evidence is currently insufficient to determine the role of this variant in disease. Therefore, it has been classified as a Variant of Uncertain Significance.